The following is an entry in ClinVar:

ClinVar aggregate classification (germline): Benign. Review status: criteria provided, multiple submitters, no conflicts (2 of 4 stars). 3 submissions from 3 submitters: Benign (3). Last evaluated 2018-06-19.

Allele frequency attached by ClinVar (database versions not stated): 1000 Genomes Project 0.08446; gnomAD exomes 0.14347 and 0.17692; gnomAD 0.14385 and 0.14634; ExAC 0.14483; TOPMed 0.13617; 1000 Genomes Project 30x 0.08120; ESP Exome Variant Server 0.15570.
gnomAD v4.1: 216,131 of 1,253,424 alleles (17%); highest among the groups gnomAD compares: Non-Finnish European, 20%; 20,895 homozygotes.

Submissions (3):

GeneDx
Classification: Benign. Last evaluated: 2018-06-19. Review status: criteria provided, single submitter. Criteria: GeneDx Variant Classification (06012015). Collection method: clinical testing. Allele origin: germline. Affected: yes.
Comment: This variant is considered likely benign or benign based on one or more of the following criteria: it is a conservative change, it occurs at a poorly conserved position in the protein, it is predicted to be benign by multiple in silico algorithms, and/or has population frequency not consistent with disease.

Breakthrough Genomics
Classification: Benign. Review status: criteria provided, single submitter. Criteria: ACMG Guidelines, 2015. Collection method: not provided. Allele origin: germline. Inheritance: Autosomal recessive inheritance. Affected: yes.

PreventionGenetics, part of Exact Sciences
Classification: Benign. Review status: criteria provided, single submitter. Criteria: ACMG Guidelines, 2015. Collection method: clinical testing. Allele origin: germline.

NM_001349206.2(LPIN1):c.193-47C>T

Gene: LPIN1 (lipin 1; plus strand). Cytogenetic location: 2p25.1.
Variant type: single nucleotide variant.
Coding change: c.193-47C>T on transcript NM_001349206.2 (MANE Select); 47 bases into the intron before coding-DNA position 193, C replaced by T.
Molecular consequence: intron variant.
Genome position (GRCh38, 1-based): chr2:11,767,716, C>T. VCF-style: chr2-11767716-C-T. GRCh37 (hg19) VCF-style: chr2-11907842-C-T.
Other names: c.340-47C>T (NM_001261428.3, NM_001349208.2); c.283-47C>T (NM_001349207.2); c.211-47C>T (NM_001261427.3); c.193-47C>T (NM_001349204.2, NM_001349202.2, NM_001349200.2 and 5 more transcripts).
Identifiers: ClinVar variation 262589 (VCV000262589.3), dbSNP rs45509591, ClinGen allele CA1533370.